The following is an entry in ClinVar:

ClinVar aggregate classification (germline): Uncertain significance (1 of 4 stars; one submission).

Conditions:
Malignant hyperthermia, susceptibility to, 1 (MHS1). Also called: Anesthesia related hyperthermia; Malignant hyperpyrexia; Fulminating hyperpyrexia; Pharmacogenic myopathy; RYR1-Related Malignant Hyperthermia Susceptibility; Malignant hyperthermia suceptibility 1. Identifiers: Orphanet 423, MedGen C2930980, MONDO:0007783, OMIM 145600.

gnomAD v4.1: 1 of 1,612,838 alleles (0.000062%); no homozygotes.

Submission:

All of Us Research Program, National Institutes of Health
Classification: Uncertain significance for Malignant hyperthermia, susceptibility to, 1. Last evaluated: 2023-06-08. Review status: criteria provided, single submitter. Criteria: ACMG Guidelines, 2015. Collection method: clinical testing. Allele origin: germline. Inheritance: Autosomal dominant inheritance. Observed: 1 variant allele, 1 heterozygote.
Comment: This missense variant replaces arginine with lysine at codon 1813 of the RYR1 protein. Computational prediction suggests that this variant may not impact protein structure and function (internally defined REVEL score threshold <= 0.5, PMID: 27666373). To our knowledge, functional studies have not been reported for this variant. This variant has not been reported in individuals affected with RYR1-related disorders in the literature. This variant has not been identified in the general population by the Genome Aggregation Database (gnomAD). The available evidence is insufficient to determine the role of this variant in disease conclusively. Therefore, this variant is classified as a Variant of Uncertain Significance.

This study involves interpretation of variants in research participants for the purpose of population health screening. Participant phenotype was not available at the time of variant classification. Additional details can be found in publication PMID: 35346344, PMCID: PMC8962531

NM_000540.3(RYR1):c.5438G>A (p.Arg1813Lys)

Gene: RYR1 (ryanodine receptor 1; plus strand). Cytogenetic location: 19q13.2.
Variant type: single nucleotide variant.
Coding change: c.5438G>A on transcript NM_000540.3 (MANE Select); coding-DNA position 5438, G replaced by A.
Protein change: p.Arg1813Lys; replaces arginine 1813 with lysine.
Molecular consequence: missense variant.
Genome position (GRCh38, 1-based): chr19:38,486,093, G>A. VCF-style: chr19-38486093-G-A. GRCh37 (hg19) VCF-style: chr19-38976733-G-A.
Other names: c.5438G>A, p.Arg1813Lys (NM_001042723.2); short protein forms R1813K.
Identifiers: ClinVar variation 3071475 (VCV003071475.1), dbSNP rs886054389, ClinGen allele CA405655295.